The following is an entry in ClinVar:

ClinVar aggregate classification (germline): Uncertain significance (1 of 4 stars; one submission).

Conditions:
Primary ciliary dyskinesia. Also called: Ciliary dyskinesia. Identifiers: Orphanet 244, MedGen C0008780, MONDO:0016575, HP:0012265.

gnomAD v4.1: 15 of 1,546,150 alleles (0.00097%); highest among the groups gnomAD compares: African/African-American, 0.0041%; 1 homozygote.

Submission:

Ambry Genetics
Classification: Uncertain significance for Primary ciliary dyskinesia. Last evaluated: 2026-08-19. Review status: criteria provided, single submitter. Criteria: Ambry Variant Classification Scheme 2023. Collection method: clinical testing. Allele origin: germline.
Comment: The p.T531A variant (also known as c.1591A>G), located in coding exon 12 of the CCDC39 gene, results from an A to G substitution at nucleotide position 1591. The threonine at codon 531 is replaced by alanine, an amino acid with similar properties. This amino acid position is conserved. In addition, this alteration is predicted to be tolerated by in silico analysis. Based on the available evidence, the clinical significance of this variant remains unclear.

NM_181426.2(CCDC39):c.1591A>G (p.Thr531Ala)

Gene: CCDC39 (coiled-coil domain 39 molecular ruler complex subunit; minus strand). Cytogenetic location: 3q26.33.
Variant type: single nucleotide variant.
Coding change: c.1591A>G on transcript NM_181426.2 (MANE Select); coding-DNA position 1591, A replaced by G.
Protein change: p.Thr531Ala; replaces threonine 531 with alanine.
Molecular consequence: missense variant.
Genome position (GRCh38, 1-based): chr3:180,644,194, T>C on the plus strand (A>G on the coding strand, the complement: CCDC39 is on the minus strand). VCF-style: chr3-180644194-T-C. GRCh37 (hg19) VCF-style: chr3-180361982-T-C.
Other names: short protein forms T531A.
Identifiers: ClinVar variation 5033797 (VCV005033797.1).